The following is an entry in ClinVar:

ClinVar aggregate classification (germline): Likely benign (1 of 4 stars; one submission).

Submission:

Laboratory for Molecular Medicine, Mass General Brigham Personalized Medicine
Classification: Likely benign. Last evaluated: 2016-02-04. Review status: criteria provided, single submitter. Criteria: LMM Criteria. Collection method: clinical testing. Allele origin: germline. Observed: 1 variant allele.
Comment: c.1192+8T>C in intron 6 of ESPN: This variant is not expected to have clinical s ignificance because it is not located within the splice consensus sequence and i t is not predicted to impact splicing.

NM_031475.3(ESPN):c.1192+8T>C

Gene: ESPN (espin; plus strand). Cytogenetic location: 1p36.31.
Variant type: single nucleotide variant.
Coding change: c.1192+8T>C on transcript NM_031475.3 (MANE Select); 8 bases into the intron after coding-DNA position 1192, T replaced by C.
Molecular consequence: intron variant.
Genome position (GRCh38, 1-based): chr1:6,444,690, T>C. VCF-style: chr1-6444690-T-C. GRCh37 (hg19) VCF-style: chr1-6504750-T-C.
Other names: c.1192+8T>C (NM_001367474.1, NM_001367473.1).
Identifiers: ClinVar variation 227358 (VCV000227358.4), dbSNP rs876657461, ClinGen allele CA10576432.